The following is an entry in ClinVar:

NM_001145809.2(MYH14):c.5626G>A (p.Ala1876Thr)

Gene: MYH14 (myosin heavy chain 14; plus strand). Cytogenetic location: 19q13.33.
Variant type: single nucleotide variant.
Coding change: c.5626G>A on transcript NM_001145809.2 (MANE Select); coding-DNA position 5626, G replaced by A.
Protein change: p.Ala1876Thr; replaces alanine 1876 with threonine.
Molecular consequence: missense variant.
Genome position (GRCh38, 1-based): chr19:50,301,817, G>A. VCF-style: chr19-50301817-G-A. GRCh37 (hg19) VCF-style: chr19-50805074-G-A.
Other names: c.5527G>A, p.Ala1843Thr (NM_001077186.2); c.5503G>A, p.Ala1835Thr (NM_024729.4); short protein forms A1835T, A1843T, A1876T.
Identifiers: ClinVar variation 4811822 (VCV004811822.1).

ClinVar aggregate classification (germline): Uncertain significance (1 of 4 stars; one submission).

gnomAD v4.1: 1 of 1,613,858 alleles (0.000062%); highest among the groups gnomAD compares: Non-Finnish European, 0.000085%; no homozygotes.

Submission:

Labcorp Genetics (formerly Invitae), Labcorp
Classification: Uncertain significance. Last evaluated: 2025-12-24. Review status: criteria provided, single submitter. Criteria: Invitae Variant Classification Sherloc (09022015). Collection method: clinical testing. Allele origin: germline.
Comment: This sequence change replaces alanine, which is neutral and non-polar, with threonine, which is neutral and polar, at codon 1835 of the MYH14 protein (p.Ala1835Thr). This variant is not present in population databases (gnomAD no frequency). This variant has not been reported in the literature in individuals affected with MYH14-related conditions. Invitae Evidence Modeling of protein sequence and biophysical properties (such as structural, functional, and spatial information, amino acid conservation, physicochemical variation, residue mobility, and thermodynamic stability) indicates that this missense variant is not expected to disrupt MYH14 protein function with a negative predictive value of 80%. In summary, the available evidence is currently insufficient to determine the role of this variant in disease. Therefore, it has been classified as a Variant of Uncertain Significance.